The following is an entry in ClinVar:

NM_130837.3(OPA1):c.2273C>T (p.Ala758Val)

Gene: OPA1 (OPA1 mitochondrial dynamin like GTPase; plus strand). Cytogenetic location: 3q29.
Variant type: single nucleotide variant.
Coding change: c.2273C>T on transcript NM_130837.3 (MANE Select); coding-DNA position 2273, C replaced by T.
Protein change: p.Ala758Val; replaces alanine 758 with valine.
Molecular consequence: missense variant.
Genome position (GRCh38, 1-based): chr3:193,657,174, C>T. VCF-style: chr3-193657174-C-T. GRCh37 (hg19) VCF-style: chr3-193374963-C-T.
Other names: c.1739C>T, p.Ala580Val (NM_001354663.2); c.1736C>T, p.Ala579Val (NM_001354664.2); c.2108C>T, p.Ala703Val (NM_015560.3); c.2000C>T, p.Ala667Val (NM_130831.3); c.2054C>T, p.Ala685Val (NM_130832.3); c.2111C>T, p.Ala704Val (NM_130833.3); c.2162C>T, p.Ala721Val (NM_130834.3); c.2165C>T, p.Ala722Val (NM_130835.3); and 1 more; short protein forms A667V, A703V, A722V, A740V, A579V, A685V, A704V, A580V.
Identifiers: ClinVar variation 2300593 (VCV002300593.5), dbSNP rs1714055995, ClinGen allele CA355791572.

ClinVar aggregate classification (germline): Uncertain significance. Review status: criteria provided, multiple submitters, no conflicts (2 of 4 stars). 2 submissions from 2 submitters: Uncertain significance (2). Last evaluated 2023-11-19.

Conditions:
Inborn genetic diseases. Identifiers: MedGen C0950123, MeSH D030342.

Allele frequency attached by ClinVar (database versions not stated): gnomAD exomes below 0.00001.
gnomAD v4.1: 1 of 1,613,770 alleles (0.000062%); highest among the groups gnomAD compares: Non-Finnish European, 0.000085%; no homozygotes.

Submissions (2):

Labcorp Genetics (formerly Invitae), Labcorp
Classification: Uncertain significance. Last evaluated: 2023-11-19. Review status: criteria provided, single submitter. Criteria: Invitae Variant Classification Sherloc (09022015). Collection method: clinical testing. Allele origin: germline.
Comment: This sequence change replaces alanine, which is neutral and non-polar, with valine, which is neutral and non-polar, at codon 703 of the OPA1 protein (p.Ala703Val). This variant is not present in population databases (gnomAD no frequency). This variant has not been reported in the literature in individuals affected with OPA1-related conditions. ClinVar contains an entry for this variant (Variation ID: 2300593). Advanced modeling of protein sequence and biophysical properties (such as structural, functional, and spatial information, amino acid conservation, physicochemical variation, residue mobility, and thermodynamic stability) performed at Invitae indicates that this missense variant is not expected to disrupt OPA1 protein function with a negative predictive value of 80%. In summary, the available evidence is currently insufficient to determine the role of this variant in disease. Therefore, it has been classified as a Variant of Uncertain Significance.

Ambry Genetics
Classification: Uncertain significance for Inborn genetic diseases. Last evaluated: 2022-07-12. Review status: criteria provided, single submitter. Criteria: Ambry Variant Classification Scheme 2023. Collection method: clinical testing. Allele origin: germline.